The following is an entry in ClinVar:

ClinVar aggregate classification (germline): Uncertain significance (1 of 4 stars; one submission).

Conditions:
Hereditary cancer-predisposing syndrome. Also called: Neoplastic Syndromes, Hereditary; Tumor predisposition; Hereditary Cancer Syndrome; Hereditary neoplastic syndrome. Identifiers: Orphanet 140162, MedGen C0027672, MeSH D009386, MONDO:0015356.

gnomAD v4.1: 2 of 1,614,010 alleles (0.00012%); highest among the groups gnomAD compares: Non-Finnish European, 0.00017%; no homozygotes.

Submission:

Ambry Genetics
Classification: Uncertain significance for Hereditary cancer-predisposing syndrome. Last evaluated: 2026-05-16. Review status: criteria provided, single submitter. Criteria: Ambry Variant Classification Scheme 2023. Collection method: clinical testing. Allele origin: germline.
Comment: The p.A216V variant (also known as c.647C>T), located in coding exon 6 of the EGFR gene, results from a C to T substitution at nucleotide position 647. The alanine at codon 216 is replaced by valine, an amino acid with similar properties. This amino acid position is conserved. In addition, the in silico prediction for this alteration is inconclusive. Based on the available evidence, the clinical significance of this variant remains unclear.

NM_005228.5(EGFR):c.647C>T (p.Ala216Val)

Gene: EGFR (epidermal growth factor receptor; plus strand). Cytogenetic location: 7p11.2.
Variant type: single nucleotide variant.
Coding change: c.647C>T on transcript NM_005228.5 (MANE Select); coding-DNA position 647, C replaced by T.
Protein change: p.Ala216Val; replaces alanine 216 with valine.
Molecular consequence: missense variant. On other transcripts: intron variant (1).
Genome position (GRCh38, 1-based): chr7:55,152,564, C>T. VCF-style: chr7-55152564-C-T. GRCh37 (hg19) VCF-style: chr7-55220257-C-T.
Other names: c.512C>T, p.Ala171Val (NM_001346897.2, NM_001346899.2); c.647C>T, p.Ala216Val (NM_001346898.2, NM_201282.2, NM_201283.2 and 1 more transcripts); c.488C>T, p.Ala163Val (NM_001346900.2); c.89-3266C>T (NM_001346941.2); short protein forms A163V, A171V, A216V.
Identifiers: ClinVar variation 4870276 (VCV004870276.1).